The following is an entry in ClinVar:

NM_000277.3(PAH):c.728G>A (p.Arg243Gln)

Gene: PAH (phenylalanine hydroxylase; minus strand). Cytogenetic location: 12q23.2.
Variant type: single nucleotide variant.
Coding change: c.728G>A on transcript NM_000277.3 (MANE Select); coding-DNA position 728, G replaced by A.
Protein change: p.Arg243Gln; replaces arginine 243 with glutamine.
Molecular consequence: missense variant.
Genome position (GRCh38, 1-based): chr12:102,852,929, C>T on the plus strand (G>A on the coding strand, the complement: PAH is on the minus strand). VCF-style: chr12-102852929-C-T. GRCh37 (hg19) VCF-style: chr12-103246707-C-T.
Other names: p.R243Q:CGA>CAA; c.728G>A, p.Arg243Gln (NM_001354304.2); c.728G>A (NM_000277.2); short protein forms R243Q.
Identifiers: ClinVar variation 591 (VCV000000591.153), dbSNP rs62508588, ClinGen allele CA251531.

ClinVar aggregate classification (germline): Pathogenic/Likely pathogenic. Review status: criteria provided, multiple submitters, no conflicts (2 of 4 stars). 23 submissions from 23 submitters: Pathogenic (15); Likely pathogenic (2). 6 of the submissions do not count toward it. Last evaluated 2026-01-26.

Conditions:
PAH-related disorder. Also called: PAH-related condition.
Inborn genetic diseases. Identifiers: MedGen C0950123, MeSH D030342.
Phenylketonuria (PKU). Also called: FOLLING DISEASE; Phenylketonuria (PKU); OLIGOPHRENIA PHENYLPYRUVICA; Phenylketonurias. Identifiers: Orphanet 716, MedGen C0031485, MONDO:0009861, OMIM 261600. Disease mechanism: loss of function.

Allele frequency attached by ClinVar (database versions not stated): gnomAD exomes 0.00008 and 0.00005; gnomAD 0.00001 and 0.00003; 1000 Genomes Project 30x 0.00031; ExAC 0.00007; TOPMed 0.00005; 1000 Genomes Project 0.00040.
gnomAD v4.1: 70 of 1,614,000 alleles (0.0043%); highest among the groups gnomAD compares: East Asian, 0.033%; no homozygotes.

Submissions 1 to 16 of 23:

Labcorp Genetics (formerly Invitae), Labcorp
Classification: Pathogenic for Phenylketonuria. Last evaluated: 2026-01-26. Review status: criteria provided, single submitter. Criteria: Invitae Variant Classification Sherloc (09022015). Collection method: clinical testing. Allele origin: germline.
Comment: This sequence change replaces arginine, which is basic and polar, with glutamine, which is neutral and polar, at codon 243 of the PAH protein (p.Arg243Gln). This variant is present in population databases (rs62508588, gnomAD 0.03%). This missense change has been observed in individual(s) with phenylketonuria (PKU) (PMID: 2071149, 23716935, 24401910, 24705691, 27264808). ClinVar contains an entry for this variant (Variation ID: 591). Invitae Evidence Modeling of protein sequence and biophysical properties (such as structural, functional, and spatial information, amino acid conservation, physicochemical variation, residue mobility, and thermodynamic stability) indicates that this missense variant is expected to disrupt PAH protein function with a positive predictive value of 80%. Experimental studies have shown that this missense change affects PAH function (PMID: 12655546, 21953985, 23500595). For these reasons, this variant has been classified as Pathogenic.

3billion
Classification: Pathogenic for Phenylketonuria. Last evaluated: 2025-12-04. Review status: criteria provided, single submitter. Criteria: ACMG Guidelines, 2015. Collection method: clinical testing. Allele origin: germline. Affected: yes.
Comment: The variant is observed at an extremely low frequency in the gnomAD v4.1.0 dataset (total allele frequency: 0.004%). Predicted Consequence/Location: The variant is located in a mutational hot spot and/or well-established functional domain in which established pathogenic variants have been reported. In silico tool predictions suggest damaging effect of the variant on gene or gene product [REVEL: 0.94 (>=0.6, sensitivity 0.68 and specificity 0.92); 3Cnet: 0.99 (> 0.75, sensitivity 0.96 and precision 0.92)]. The same nucleotide change resulting in the same amino acid change has been previously reported as pathogenic/likely pathogenic with strong evidence (ClinVar ID: VCV000000591 /PMID: 2071149 /3billion dataset). A different missense change at the same codon (p.Arg243Leu) has been reported as pathogenic/likely pathogenic with strong evidence (ClinVar ID: VCV000102808). Therefore, this variant is classified as Pathogenic according to the recommendation of ACMG/AMP guideline.

Genomic Medicine Center of Excellence, King Faisal Specialist Hospital and Research Centre
Classification: Likely pathogenic for Phenylketonuria. Last evaluated: 2025-09-10. Review status: criteria provided, single submitter. Criteria: ACMG Guidelines, 2015. Collection method: clinical testing. Allele origin: germline.

Natera, Inc.
Classification: Pathogenic for Phenylketonuria. Last evaluated: 2025-08-26. Review status: criteria provided, single submitter. Criteria: Natera Variant Classification Schema (03/2026). Collection method: clinical testing. Allele origin: germline.
Comment: The c.728G>A variant in PAH is a missense variant predicted to cause substitution of arginine to glutamine at amino acid 243. This variant is rare in the general population with a frequency below the threshold expected for the associated phenotype(s). This variant has been observed in one or more individuals affected with the associated recessive disease, as either homozygous or compound heterozygous with a second variant (PMID: 30050108). Computational prediction algorithms indicate this variant is likely to affect gene or protein function. Given the available evidence, this variant is classified as Pathogenic.

Blueprint Genetics
Classification: Pathogenic for PAH-related disorders. Last evaluated: 2024-11-08. Review status: criteria provided, single submitter. Criteria: ACMG Guidelines, 2015. Collection method: clinical testing. Allele origin: germline. Affected: yes. Observed: 5 variant alleles.

Cellular and Molecular Research Center, Cellular and Molecular Medicine Research Institute,, Urmia University of Medical Sciences
Classification: Likely pathogenic for Phenylketonuria. Last evaluated: 2023-09-19. Review status: criteria provided, single submitter. Criteria: Zastrow et al. (Hum Mutat. 2018). Collection method: clinical testing. Allele origin: inherited. Inheritance: Autosomal recessive inheritance. Affected: yes.

Department of Pathology and Laboratory Medicine, Sinai Health System
Classification: Pathogenic for Phenylketonuria. Last evaluated: 2023-09-18. Review status: criteria provided, single submitter. Criteria: ACMG Guidelines, 2015. Collection method: research. Allele origin: germline.

Revvity Omics, Revvity
Classification: Pathogenic for Phenylketonuria. Last evaluated: 2022-11-21. Review status: criteria provided, single submitter. Criteria: ACMG Guidelines, 2015. Collection method: clinical testing. Allele origin: germline.

Dasa
Classification: Pathogenic for Phenylketonuria. Last evaluated: 2022-06-10. Review status: criteria provided, single submitter. Criteria: ACMG Guidelines, 2015. Collection method: clinical testing. Allele origin: germline. Affected: yes. Observed: 1 variant allele.
Comment: The c.728G>A;p.(Arg243Gln) missense change has been observed in affected individual(s) and ClinVar contains an entry for this variant (Clinvar ID: 591; PMID: 29499199; 28676969; 24401910; 14722928) - PS4. The variant is present at low allele frequencies population databases (rs62508588– gnomAD 0.0002631%; ABraOM no frequency) -PM2_supporting. The p.(Arg243Gln) was detected in trans with a Pathogenic variant (PMID: 24401910; 14722928) - PM3_strong. Multiple lines of computational evidence support a deleterious effect on the gene or gene product - PP3. In summary, the currently available evidence indicates that the variant is Pathogenic

Fulgent Genetics
Classification: Pathogenic for Phenylketonuria. Last evaluated: 2022-01-14. Review status: criteria provided, single submitter. Criteria: ACMG Guidelines, 2015. Collection method: clinical testing. Allele origin: unknown.

GeneDx
Classification: Pathogenic. Last evaluated: 2021-09-07. Review status: criteria provided, single submitter. Criteria: GeneDx Variant Classification Process June 2021. Collection method: clinical testing. Allele origin: germline. Affected: yes.
Comment: Reported to be associated with approximately 10-18% residual phenylalanine hydroxylase activity compared to wild-type (Shi et al., 2012; Couce et al., 2013; Liang et al., 2014); In silico analysis supports that this missense variant has a deleterious effect on protein structure/function; Reported to be responsive to tetrahydrobiopterin (BH4) therapy (Zurfluh et al. 2008); This variant is associated with the following publications: (PMID: 28851938, 28676969, 17935162, 24401910, 2071149, 27264808, 25750018, 23500595, 21953985, 12655546, 29317692, 29499199, 11243094, 30037505, 29909188, 30648773, 31178897, 30678510, 31355225, 30747360, 31998365, 30275481, 34426522, 33677757, 31589614, 32778825, 33465300, 29288420, 33375644)

CeGaT Center for Human Genetics Tuebingen
Classification: Pathogenic. Last evaluated: 2019-04-01. Review status: criteria provided, single submitter. Criteria: CeGaT Center For Human Genetics Tuebingen Variant Classification Criteria Version 2. Collection method: clinical testing. Allele origin: germline. Affected: yes. Observed: 1 variant allele.

Quest Diagnostics Nichols Institute San Juan Capistrano
Classification: Pathogenic. Last evaluated: 2018-10-31. Review status: criteria provided, single submitter. Criteria: Quest Diagnostics criteria. Collection method: clinical testing. Allele origin: germline.
Comment: The best available variant frequency is uninformative. Found in at least one symptomatic patient. Predicted to have a damaging effect on the protein. Located in potentially important domain of the protein. Occurs in multiple cases with a recessive pathogenic variant in the same gene. Assessment of experimental evidence suggests this variant results in abnormal protein function.

Women's Health and Genetics/Laboratory Corporation of America, LabCorp
Classification: Pathogenic for Phenylketonuria. Last evaluated: 2017-11-03. Review status: criteria provided, single submitter. Criteria: LabCorp Variant Classification Summary - May 2015. Collection method: clinical testing. Allele origin: germline.
Comment: Variant summary: The PAH c.728G>A (p.Arg243Gln) variant located in the aromatic amino acid hydroxylase, C-terminal (InterPro) involves the alteration of a conserved nucleotide and 4/5 in silico tools predict a damaging outcome for this variant. This variant was found in 19/245876 control chromosomes at a frequency of 0.0000773, which does not exceed the estimated maximal expected allele frequency of a pathogenic PAH variant (0.0079057). The variant of interest has been reported in multiple publications in affected compound heterozygote and homozygote individuals presenting with classic PKU, mild PKU, HPA, and mild-HPA. Activity levels for these affected individuals were indicated to have been significantly reduced in comparison to wild type (Aldamiz-Echevarria_2016). In addition, multiple clinical diagnostic laboratories/reputable databases classified this variant as pathogenic. Taken together, this variant is classified as pathogenic.

Eurofins Ntd Llc (ga)
Classification: Pathogenic. Last evaluated: 2017-02-07. Review status: criteria provided, single submitter. Criteria: EGL Classification Definitions 2015. Collection method: clinical testing. Allele origin: germline. Observed: 4 variant alleles, 4 heterozygotes.

Ambry Genetics
Classification: Pathogenic for Inborn genetic diseases. Last evaluated: 2016-01-27. Review status: criteria provided, single submitter. Criteria: Ambry exome assertion method (8-5-2015). Collection method: clinical testing. Allele origin: germline. Affected: yes. Observed: 1 variant allele.